The following is an entry in ClinVar:

ClinVar aggregate classification (germline): Conflicting classifications of pathogenicity. Review status: criteria provided, conflicting classifications (1 of 4 stars). 4 submissions from 4 submitters: Uncertain significance (3); Likely benign (1). Last evaluated 2025-12-23.

Conditions:
Inborn genetic diseases. Identifiers: MedGen C0950123, MeSH D030342.

Allele frequency attached by ClinVar (database versions not stated): ExAC 0.00005; gnomAD 0.00005; TOPMed 0.00005; gnomAD exomes 0.00006.
gnomAD v4.1: 95 of 1,613,640 alleles (0.0059%); highest among the groups gnomAD compares: Non-Finnish European, 0.0076%; no homozygotes.

Submissions (4):

Labcorp Genetics (formerly Invitae), Labcorp
Classification: Likely benign. Last evaluated: 2025-12-23. Review status: criteria provided, single submitter. Criteria: Invitae Variant Classification Sherloc (09022015). Collection method: clinical testing. Allele origin: germline.

Women's Health and Genetics/Laboratory Corporation of America, LabCorp
Classification: Uncertain significance. Last evaluated: 2024-11-04. Review status: criteria provided, single submitter. Criteria: LabCorp Variant Classification Summary - May 2015. Collection method: clinical testing. Allele origin: germline.
Comment: Variant summary: ADGRV1 c.12235A>G (p.Lys4079Glu) results in a conservative amino acid change located in the Domains in Na-Ca exchangers and integrin-beta4 domain (IPR003644) of the encoded protein sequence. Five of five in-silico tools predict a benign effect of the variant on protein function. The variant allele was found at a frequency of 4.4e-05 in 249098 control chromosomes. This frequency is not significantly higher than estimated for a pathogenic variant in ADGRV1 causing ADGRV1-Related Disorders, allowing no conclusion about variant significance. To our knowledge, no occurrence of c.12235A>G in individuals affected with ADGRV1-Related Disorders and no experimental evidence demonstrating its impact on protein function have been reported. ClinVar contains an entry for this variant (Variation ID: 1923402). Based on the evidence outlined above, the variant was classified as uncertain significance.

Blueprint Genetics
Classification: Uncertain significance. Last evaluated: 2024-02-07. Review status: criteria provided, single submitter. Criteria: ACMG Guidelines, 2015. Collection method: clinical testing. Allele origin: germline.

Ambry Genetics
Classification: Uncertain significance for Inborn genetic diseases. Last evaluated: 2023-09-29. Review status: criteria provided, single submitter. Criteria: Ambry Variant Classification Scheme 2023. Collection method: clinical testing. Allele origin: germline.

NM_032119.4(ADGRV1):c.12235A>G (p.Lys4079Glu)

Gene: ADGRV1 (adhesion G protein-coupled receptor V1; plus strand). Cytogenetic location: 5q14.3.
Variant type: single nucleotide variant.
Coding change: c.12235A>G on transcript NM_032119.4 (MANE Select); coding-DNA position 12235, A replaced by G.
Protein change: p.Lys4079Glu; replaces lysine 4079 with glutamic acid.
Molecular consequence: missense variant. On other transcripts: non-coding transcript variant (1).
Genome position (GRCh38, 1-based): chr5:90,763,419, A>G. VCF-style: chr5-90763419-A-G. GRCh37 (hg19) VCF-style: chr5-90059236-A-G.
Other names: c.12235A>G (NM_032119.3); short protein forms K4079E.
Identifiers: ClinVar variation 1923402 (VCV001923402.7), dbSNP rs756969604, ClinGen allele CA3341177.